The following is an entry in ClinVar:

NM_000455.5(STK11):c.116G>T (p.Arg39Leu)

Gene: STK11 (serine/threonine kinase 11; plus strand). Cytogenetic location: 19p13.3.
Variant type: single nucleotide variant.
Coding change: c.116G>T on transcript NM_000455.5 (MANE Select); coding-DNA position 116, G replaced by T.
Protein change: p.Arg39Leu; replaces arginine 39 with leucine.
Molecular consequence: missense variant.
Genome position (GRCh38, 1-based): chr19:1,207,029, G>T. VCF-style: chr19-1207029-G-T. GRCh37 (hg19) VCF-style: chr19-1207028-G-T.
Other names: short protein forms R39L.
Identifiers: ClinVar variation 186826 (VCV000186826.30), dbSNP rs786203250, ClinGen allele CA022398.

ClinVar aggregate classification (germline): Conflicting classifications of pathogenicity. Review status: criteria provided, conflicting classifications (1 of 4 stars). 8 submissions from 8 submitters: Uncertain significance (7); Likely benign (1). Last evaluated 2026-04-28.

Conditions:
Hereditary cancer-predisposing syndrome. Also called: Tumor predisposition; Hereditary Cancer Syndrome; Hereditary neoplastic syndrome; Neoplastic Syndromes, Hereditary. Identifiers: Orphanet 140162, MedGen C0027672, MeSH D009386, MONDO:0015356.
Peutz-Jeghers syndrome (PJS). Also called: POLYPOSIS, HAMARTOMATOUS INTESTINAL; POLYPS-AND-SPOTS SYNDROME; Peutz-Jeghers polyposis; Periorificial lentiginosis syndrome. Identifiers: Orphanet 2869, MedGen C0031269, MeSH D010580, MONDO:0008280, OMIM 175200.

Allele frequency attached by ClinVar (database versions not stated): gnomAD 0.00001; TOPMed 0.00002; gnomAD exomes 0.00001 and 0.00003.
gnomAD v4.1: 43 of 1,613,686 alleles (0.0027%); highest among the groups gnomAD compares: Non-Finnish European, 0.0035%; no homozygotes.

Submissions (8):

Ambry Genetics
Classification: Uncertain significance for Hereditary cancer-predisposing syndrome. Last evaluated: 2026-04-28. Review status: criteria provided, single submitter. Criteria: Ambry Variant Classification Scheme 2023. Collection method: clinical testing. Allele origin: germline.
Comment: The p.R39L variant (also known as c.116G>T), located in coding exon 1 of the STK11 gene, results from a G to T substitution at nucleotide position 116. The arginine at codon 39 is replaced by leucine, an amino acid with dissimilar properties. This amino acid position is highly conserved in available vertebrate species. In addition, the in silico prediction for this alteration is inconclusive. Based on the available evidence, the clinical significance of this variant remains unclear.

Labcorp Genetics (formerly Invitae), Labcorp
Classification: Likely benign for Peutz-Jeghers syndrome. Last evaluated: 2025-12-28. Review status: criteria provided, single submitter. Criteria: Invitae Variant Classification Sherloc (09022015). Collection method: clinical testing. Allele origin: germline.

GeneDx
Classification: Uncertain significance. Last evaluated: 2025-02-24. Review status: criteria provided, single submitter. Criteria: GeneDx Variant Classification Process June 2021. Collection method: clinical testing. Allele origin: germline. Affected: yes.
Comment: Identified in patients with breast cancer in published literature (PMID: 25186627, 34326862); Not observed at significant frequency in large population cohorts (gnomAD); In silico analysis supports that this missense variant has a deleterious effect on protein structure/function; This variant is associated with the following publications: (PMID: 9809980, 29496690, 25186627, 26010451, 34326862)

Institute for Biomarker Research, Medical Diagnostic Laboratories, L.L.C.
Classification: Uncertain significance for Hereditary cancer-predisposing syndrome. Last evaluated: 2024-12-09. Review status: criteria provided, single submitter. Criteria: ACMG Guidelines, 2015. Collection method: clinical testing. Allele origin: germline.
Comment: The missense variant NM_000455.5(STK11):c.116G>T (p.Arg39Leu) has not been reported previously as a pathogenic variant nor as a benign variant, to our knowledge. There is a moderate physicochemical difference between arginine and leucine. The gene STK11 has a low rate of benign missense variation as indicated by a high missense variants Z-Score of 1.49. The p.Arg39Leu missense variant is predicted to be damaging by both SIFT and PolyPhen2. The arginine residue at codon 39 of STK11 is conserved in all mammalian species. The nucleotide c.116 in STK11 is predicted conserved by GERP++ and PhyloP across 100 vertebrates. For these reasons, this variant has been classified as Uncertain Significance

Color Diagnostics, LLC DBA Color Health
Classification: Uncertain significance for Hereditary cancer-predisposing syndrome. Last evaluated: 2024-05-13. Review status: criteria provided, single submitter. Criteria: ACMG Guidelines, 2015. Collection method: clinical testing. Allele origin: germline.
Comment: This missense variant replaces arginine with leucine at codon 39 of the STK11 protein. Computational prediction is inconclusive regarding the impact of this variant on protein structure and function. To our knowledge, functional studies have not been reported for this variant. This variant has been reported in an individual affected with breast cancer in the literature (PMID: 29496690) and in an individual with a diagnosis of Cowden syndrome and a frameshift mutation in exon 1 of PTEN (c.17_18delAA; PMID: 29496690). This variant has been identified in 2/248072 chromosomes in the general population by the Genome Aggregation Database (gnomAD). The available evidence is insufficient to determine the role of this variant in disease conclusively. Therefore, this variant is classified as a Variant of Uncertain Significance.

All of Us Research Program, National Institutes of Health
Classification: Uncertain significance for Peutz-Jeghers syndrome. Last evaluated: 2023-10-02. Review status: criteria provided, single submitter. Criteria: ACMG Guidelines, 2015. Collection method: clinical testing. Allele origin: germline. Inheritance: Autosomal dominant inheritance. Observed: 5 variant alleles, 5 heterozygotes.
Comment: This missense variant replaces arginine with leucine at codon 39 of the STK11 protein. Computational prediction is inconclusive regarding the impact of this variant on protein structure and function (internally defined REVEL score threshold 0.5 < inconclusive < 0.7, PMID: 27666373). To our knowledge, functional studies have not been reported for this variant. This variant has been reported in an individual affected with breast cancer in the literature (PMID: 29496690) and in an individual with a diagnosis of Cowden syndrome and a frameshift mutation in exon 1 of PTEN (c.17_18delAA; PMID: 29496690). This variant has been identified in 2/248072 chromosomes in the general population by the Genome Aggregation Database (gnomAD). The available evidence is insufficient to determine the role of this variant in disease conclusively. Therefore, this variant is classified as a Variant of Uncertain Significance.

This study involves interpretation of variants in research participants for the purpose of population health screening. Participant phenotype was not available at the time of variant classification. Additional details can be found in publication PMID: 35346344, PMCID: PMC8962531

Genome-Nilou Lab
Classification: Uncertain significance for Peutz-Jeghers syndrome. Last evaluated: 2021-07-15. Review status: criteria provided, single submitter. Criteria: ACMG Guidelines, 2015. Collection method: clinical testing. Allele origin: germline. Affected: no.

Women's Health and Genetics/Laboratory Corporation of America, LabCorp
Classification: Uncertain significance. Last evaluated: 2018-07-02. Review status: criteria provided, single submitter. Criteria: LabCorp Variant Classification Summary - May 2015. Collection method: clinical testing. Allele origin: germline.
Comment: Variant summary: STK11 c.116G>T (p.Arg39Leu) results in a non-conservative amino acid change in the encoded protein sequence. Five of five in-silico tools predict a damaging effect of the variant on protein function. The variant allele was found at a frequency of 8.1e-06 in 245434 control chromosomes (gnomAD). The available data on variant occurrences in the general population are insufficient to allow any conclusion about variant significance. The variant, c.116G>T, has been reported in the literature in individuals affected with Breast Cancer (Tung_2014) and as a somatic event in Colorectal Cancer patients (Betge_2015). These report(s) do not provide unequivocal conclusions about association of the variant with Peutz-Jeghers Syndrome. To our knowledge, no experimental evidence demonstrating an impact on protein function has been reported. Four clinical diagnostic laboratories have submitted clinical-significance assessments for this variant to ClinVar after 2014 without evidence for independent evaluation. All laboratories classified the variant as uncertain significance. Based on the evidence outlined above, the variant was classified as uncertain significance.

Literature cited by the submitters: PubMed 29496690 (cited by Color Diagnostics, LLC DBA Color Health and All of Us Research Program, National Institutes of Health); PubMed 26010451 (cited by Women's Health and Genetics/Laboratory Corporation of America, LabCorp); PubMed 25186627 (cited by Women's Health and Genetics/Laboratory Corporation of America, LabCorp).